The following is an entry in ClinVar:

ClinVar aggregate classification (germline): Uncertain significance (1 of 4 stars; one submission).

Conditions:
Inborn genetic diseases. Identifiers: MedGen C0950123, MeSH D030342.

gnomAD v4.1: 4 of 1,611,446 alleles (0.00025%); highest among the groups gnomAD compares: South Asian, 0.0011%; no homozygotes.

Submission:

Ambry Genetics
Classification: Uncertain significance for Inborn genetic diseases. Last evaluated: 2025-03-15. Review status: criteria provided, single submitter. Criteria: Ambry Variant Classification Scheme 2023. Collection method: clinical testing. Allele origin: germline.
Comment: The p.A192T variant (also known as c.574G>A), located in coding exon 5 of the PAX5 gene, results from a G to A substitution at nucleotide position 574. The alanine at codon 192 is replaced by threonine, an amino acid with similar properties. This amino acid position is conserved. In addition, the in silico prediction for this alteration is inconclusive. Based on the available evidence, the clinical significance of this variant remains unclear.

NM_016734.3(PAX5):c.574G>A (p.Ala192Thr)

Genes: PAX5 (paired box 5; minus strand), LOC105376032 (uncharacterized LOC105376032; plus strand). Cytogenetic location: 9p13.2.
Variant type: single nucleotide variant.
Coding change: c.574G>A on transcript NM_016734.3 (MANE Select); coding-DNA position 574, G replaced by A.
Protein change: p.Ala192Thr; replaces alanine 192 with threonine.
Molecular consequence: missense variant. On other transcripts: non-coding transcript variant (2), intron variant (2).
Genome position (GRCh38, 1-based): chr9:37,002,678, C>T on the plus strand (G>A on the coding strand, the complement: PAX5 is on the minus strand). VCF-style: chr9-37002678-C-T. GRCh37 (hg19) VCF-style: chr9-37002675-C-T.
Other names: c.574G>A, p.Ala192Thr (NM_001280547.2, NM_001280548.2, NM_001280549.2 and 2 more transcripts); c.250G>A, p.Ala84Thr (NM_001280551.2, NM_001280556.2); c.376G>A, p.Ala126Thr (NM_001280555.2); c.475+3795G>A (NM_001280553.2, NM_001280554.2); short protein forms A84T, A126T, A192T.
Identifiers: ClinVar variation 3928263 (VCV003928263.1).
Genomic context (GRCh38, chr9:37,002,678, plus strand): 5'-CCCCGACGGGGCTGCGCGGGCCTCTCTTACCTTCGTCTCTCTTGCGCTTGTTGGTGTCGG[C>T]GCTGGGGGACGTGATGCCCAGGATGCCGCTGATGGAGTACGACGAGCCGGCCGAATCCGT-3'
Protein context (NP_057953.1, residues 182-202): SGILGITSPS[Ala192Thr]DTNKRKRDEG